The following is an entry in ClinVar:

NM_000383.4(AIRE):c.1400+6T>A

Gene: AIRE (autoimmune regulator; plus strand). Cytogenetic location: 21q22.3.
Variant type: single nucleotide variant.
Coding change: c.1400+6T>A on transcript NM_000383.4 (MANE Select); 6 bases into the intron after coding-DNA position 1400, T replaced by A.
Molecular consequence: intron variant.
Genome position (GRCh38, 1-based): chr21:44,293,916, T>A. VCF-style: chr21-44293916-T-A. GRCh37 (hg19) VCF-style: chr21-45713799-T-A.
Identifiers: ClinVar variation 1909272 (VCV001909272.4), dbSNP rs757463079, ClinGen allele CA10052090.

ClinVar aggregate classification (germline): Uncertain significance (1 of 4 stars; one submission).

Conditions:
Polyglandular autoimmune syndrome, type 1 (APS1). Also called: APS I; PGA I; Autoimmune polyendocrine syndrome type 1; AUTOIMMUNE POLYENDOCRINE SYNDROME, TYPE I, WITH OR WITHOUT REVERSIBLE METAPHYSEAL DYSPLASIA; HYPOADRENOCORTICISM WITH HYPOPARATHYROIDISM AND SUPERFICIAL MONILIASIS; Whitaker syndrome. Identifiers: Orphanet 3453, MedGen C0085859, MONDO:0009411, OMIM 240300.

Allele frequency attached by ClinVar (database versions not stated): ExAC 0.00001; gnomAD exomes 0.00001.
gnomAD v4.1: 3 of 1,596,148 alleles (0.00019%); highest among the groups gnomAD compares: Admixed American, 0.005%; no homozygotes.

Submission:

Labcorp Genetics (formerly Invitae), Labcorp
Classification: Uncertain significance for Polyglandular autoimmune syndrome, type 1. Last evaluated: 2025-04-17. Review status: criteria provided, single submitter. Criteria: Invitae Variant Classification Sherloc (09022015). Collection method: clinical testing. Allele origin: germline.
Comment: This sequence change falls in intron 11 of the AIRE gene. It does not directly change the encoded amino acid sequence of the AIRE protein. It affects a nucleotide within the consensus splice site. This variant is present in population databases (rs757463079, gnomAD 0.003%). This variant has not been reported in the literature in individuals affected with AIRE-related conditions. ClinVar contains an entry for this variant (Variation ID: 1909272). Variants that disrupt the consensus splice site are a relatively common cause of aberrant splicing (PMID: 17576681, 9536098). Algorithms developed to predict the effect of sequence changes on RNA splicing suggest that this variant is not likely to affect RNA splicing. In summary, the available evidence is currently insufficient to determine the role of this variant in disease. Therefore, it has been classified as a Variant of Uncertain Significance.

Literature cited by the submitters: PubMed 17576681; PubMed 9536098.